The following is an entry in ClinVar:

NM_000321.3(RB1):c.-11G>A

Gene: RB1 (RB transcriptional corepressor 1; plus strand). Cytogenetic location: 13q14.2.
Variant type: single nucleotide variant.
Coding change: c.-11G>A on transcript NM_000321.3 (MANE Select); 11 bases upstream of the start codon, G replaced by A.
Molecular consequence: 5 prime UTR variant.
Genome position (GRCh38, 1-based): chr13:48,303,902, G>A. VCF-style: chr13-48303902-G-A. GRCh37 (hg19) VCF-style: chr13-48878038-G-A.
Identifiers: ClinVar variation 1319459 (VCV001319459.6), dbSNP rs1376823332, ClinGen allele CA609859277.

ClinVar aggregate classification (germline): Uncertain significance. Review status: criteria provided, multiple submitters, no conflicts (2 of 4 stars). 3 submissions from 3 submitters: Uncertain significance (3). Last evaluated 2025-12-09.

Conditions:
Retinoblastoma (RB1). Also called: RETINOBLASTOMA, SOMATIC. Identifiers: Orphanet 790, MedGen C0035335, MeSH D012175, MONDO:0008380, OMIM 180200, HP:0009919. Disease mechanism: loss of function. Inheritance: Both sporadic and heritable forms are tested..

Allele frequency attached by ClinVar (database versions not stated): gnomAD exomes 0.00002.
gnomAD v4.1: 11 of 1,515,296 alleles (0.00073%); highest among the groups gnomAD compares: Non-Finnish European, 0.00097%; no homozygotes.

Submissions (3):

Labcorp Genetics (formerly Invitae), Labcorp
Classification: Uncertain significance for Retinoblastoma. Last evaluated: 2025-12-09. Review status: criteria provided, single submitter. Criteria: Invitae Variant Classification Sherloc (09022015). Collection method: clinical testing. Allele origin: germline.
Comment: This variant occurs in a non-coding region of the RB1 gene. It does not change the encoded amino acid sequence of the RB1 protein. The frequency data for this variant in the population databases is considered unreliable, as metrics indicate poor data quality at this position in the gnomAD database. This variant has not been reported in the literature in individuals affected with RB1-related conditions. ClinVar contains an entry for this variant (Variation ID: 1319459). In summary, the available evidence is currently insufficient to determine the role of this variant in disease. Therefore, it has been classified as a Variant of Uncertain Significance.

Color Diagnostics, LLC DBA Color Health
Classification: Uncertain significance for Retinoblastoma. Last evaluated: 2025-06-24. Review status: criteria provided, single submitter. Criteria: ACMG Guidelines, 2015. Collection method: clinical testing. Allele origin: germline.
Comment: This variant results in a single nucleotide substitution at the -11 position in 5'UTR of the RB1 gene. To our knowledge, functional studies have not been reported for this variant. This variant has not been reported in individuals affected with RB1-related disorders in the literature. This variant has been identified in 2/110632 chromosomes in the general population by the Genome Aggregation Database (gnomAD). The available evidence is insufficient to determine the role of this variant in disease conclusively. Therefore, this variant is classified as a Variant of Uncertain Significance.

Institute for Clinical Genetics, University Hospital TU Dresden, University Hospital TU Dresden
Classification: Uncertain significance. Last evaluated: 2021-11-03. Review status: criteria provided, single submitter. Criteria: ACMG Guidelines, 2015. Collection method: clinical testing. Allele origin: germline.